The following is an entry in ClinVar:

ClinVar aggregate classification (germline): Conflicting classifications of pathogenicity. Review status: criteria provided, conflicting classifications (1 of 4 stars). 4 submissions from 4 submitters: Uncertain significance (3); Likely benign (1). Last evaluated 2024-09-17.

Conditions:
Usher syndrome type 2C. Also called: Usher syndrome, type 2B; USHER SYNDROME, TYPE IIC. Identifiers: Orphanet 231178, Orphanet 886, MedGen C2931213, MONDO:0011558, OMIM 605472.
Hearing loss, autosomal recessive 57. Also called: DEAFNESS, AUTOSOMAL RECESSIVE 57. Identifiers: MedGen C4693893, MONDO:0033201, OMIM 618003.
Usher syndrome type 2A. Also called: RETINAL DISEASE IN USHER SYNDROME TYPE IIA, MODIFIER OF; USHER SYNDROME, TYPE IIA. Identifiers: Orphanet 231178, Orphanet 886, MedGen C1848634, MONDO:0010169, OMIM 276901.

Allele frequency attached by ClinVar (database versions not stated): gnomAD 0.00005 and 0.00011; TOPMed 0.00005; 1000 Genomes Project 30x 0.00109; 1000 Genomes Project 0.00140.
gnomAD v4.1: 57 of 1,614,142 alleles (0.0035%); highest among the groups gnomAD compares: East Asian, 0.085%; no homozygotes.

Submissions (4):

Blueprint Genetics
Classification: Likely benign. Last evaluated: 2024-09-17. Review status: criteria provided, single submitter. Criteria: ACMG Guidelines, 2015. Collection method: clinical testing. Allele origin: germline.

Labcorp Genetics (formerly Invitae), Labcorp
Classification: Uncertain significance. Last evaluated: 2023-08-10. Review status: criteria provided, single submitter. Criteria: Invitae Variant Classification Sherloc (09022015). Collection method: clinical testing. Allele origin: germline.
Comment: This sequence change replaces arginine, which is basic and polar, with serine, which is neutral and polar, at codon 188 of the PDZD7 protein (p.Arg188Ser). This variant is present in population databases (rs368583838, gnomAD 0.1%). This variant has not been reported in the literature in individuals affected with PDZD7-related conditions. ClinVar contains an entry for this variant (Variation ID: 667309). Advanced modeling of protein sequence and biophysical properties (such as structural, functional, and spatial information, amino acid conservation, physicochemical variation, residue mobility, and thermodynamic stability) performed at Invitae indicates that this missense variant is not expected to disrupt PDZD7 protein function. In summary, the available evidence is currently insufficient to determine the role of this variant in disease. Therefore, it has been classified as a Variant of Uncertain Significance.

Fulgent Genetics
Classification: Uncertain significance for Usher syndrome type 2A; Usher syndrome type 2C; Hearing loss, autosomal recessive 57. Last evaluated: 2022-01-05. Review status: criteria provided, single submitter. Criteria: ACMG Guidelines, 2015. Collection method: clinical testing. Allele origin: unknown.

Laboratory for Molecular Medicine, Mass General Brigham Personalized Medicine
Classification: Uncertain significance. Last evaluated: 2018-02-15. Review status: criteria provided, single submitter. Criteria: LMM Criteria. Collection method: clinical testing. Allele origin: germline. Observed: 1 variant allele.
Comment: The p.Arg188Ser variant in PDZD7 has not been previously reported in individuals with hearing loss or Usher syndrome, but has been identified in 0.106% (20/1886 2) of East Asian chromosomes by the Genome Aggregation Database (gnomAD; dbSNP rs368583838). Although this variant has been seen in the general population, its frequency is not high enough to rule out a p athogenic role. Computational prediction tools and conservation analysis suggest that the p.Arg188Ser variant may impact the protein, though this information is not predictive enough to determine pathogenicity. In summary, the clinical sign ificance of the p.Arg188Ser variant is uncertain. ACMG/AMP Criteria applied: PP 3.

NM_001195263.2(PDZD7):c.562C>A (p.Arg188Ser)

Gene: PDZD7 (PDZ domain containing 7; minus strand). Cytogenetic location: 10q24.31.
Variant type: single nucleotide variant.
Coding change: c.562C>A on transcript NM_001195263.2 (MANE Select); coding-DNA position 562, C replaced by A.
Protein change: p.Arg188Ser; replaces arginine 188 with serine.
Molecular consequence: missense variant.
Genome position (GRCh38, 1-based): chr10:101,022,366, G>T on the plus strand (C>A on the coding strand, the complement: PDZD7 is on the minus strand). VCF-style: chr10-101022366-G-T. GRCh37 (hg19) VCF-style: chr10-102782123-G-T.
Other names: c.562C>A, p.Arg188Ser (NM_001351044.2, NM_024895.5); short protein forms R188S.
Identifiers: ClinVar variation 667309 (VCV000667309.14), dbSNP rs368583838, ClinGen allele CA5654332.